The following is an entry in ClinVar:

ClinVar aggregate classification (germline): Pathogenic (1 of 4 stars; one submission).

Conditions:
Aortic aneurysm, familial thoracic 4 (AAT4). Also called: AORTIC ANEURYSM/AORTIC DISSECTION AND PATENT DUCTUS ARTERIOSUS. Identifiers: MedGen C1851504, MONDO:0007568, OMIM 132900.

Submission:

Labcorp Genetics (formerly Invitae), Labcorp
Classification: Pathogenic for Aortic aneurysm, familial thoracic 4. Last evaluated: 2019-07-15. Review status: criteria provided, single submitter. Criteria: Invitae Variant Classification Sherloc (09022015). Collection method: clinical testing. Allele origin: germline.
Comment: A gross deletion of the genomic region encompassing the full coding sequence of the MYH11 gene has been identified. The boundaries of this event are unknown as the deletion extends beyond the assayed region for this gene and therefore may encompass additional genes. Isolated whole-gene deletions of MYH11 have not been reported in the literature. However, larger copy number events that include this gene have been reported (PMID: 27884122, 29179725, 22318994). Loss-of-function variants in MYH11 are known to be pathogenic (PMID: 25407000, 29575632). For these reasons, this variant has been classified as Pathogenic.

Literature cited by the submitters: PubMed 27884122; PubMed 22318994; PubMed 29179725.

NC_000016.10:g.(?_15395898)_(15884205_?)del

Genes: NDE1 (nudE neurodevelopment protein 1; plus strand), MYH11 (myosin heavy chain 11; minus strand), BMERB1 (bMERB domain containing 1; plus strand), CEP20 (centrosomal protein 20; minus strand), MARF1 (meiosis regulator and mRNA stability factor 1; minus strand) and 1 more. Cytogenetic location: 16p13.11.
Variant type: Deletion.
Identifiers: ClinVar variation 832327 (VCV000832327.1).